The following is an entry in ClinVar:

NM_018124.4(RFWD3):c.2281G>A (p.Ala761Thr)

Gene: RFWD3 (ring finger and WD repeat domain 3; minus strand). Cytogenetic location: 16q23.1.
Variant type: single nucleotide variant.
Coding change: c.2281G>A on transcript NM_018124.4 (MANE Select); coding-DNA position 2281, G replaced by A.
Protein change: p.Ala761Thr; replaces alanine 761 with threonine.
Molecular consequence: missense variant.
Genome position (GRCh38, 1-based): chr16:74,623,972, C>T on the plus strand (G>A on the coding strand, the complement: RFWD3 is on the minus strand). VCF-style: chr16-74623972-C-T. GRCh37 (hg19) VCF-style: chr16-74657870-C-T.
Other names: c.2281G>A, p.Ala761Thr (NM_001370534.1, NM_001370535.1); c.2104G>A, p.Ala702Thr (NM_001370536.1); c.1447G>A, p.Ala483Thr (NM_001370537.1, NM_001370539.1, NM_001370540.1 and 3 more transcripts); short protein forms A761T, A702T, A483T.
Identifiers: ClinVar variation 2083793 (VCV002083793.4), dbSNP rs748988162, ClinGen allele CA396758929.

ClinVar aggregate classification (germline): Uncertain significance (1 of 4 stars; one submission).

gnomAD v4.1: 3 of 1,614,106 alleles (0.00019%); highest among the groups gnomAD compares: Non-Finnish European, 0.00025%; no homozygotes.

Submission:

Labcorp Genetics (formerly Invitae), Labcorp
Classification: Uncertain significance. Last evaluated: 2024-08-27. Review status: criteria provided, single submitter. Criteria: Invitae Variant Classification Sherloc (09022015). Collection method: clinical testing. Allele origin: germline.
Comment: This sequence change replaces alanine, which is neutral and non-polar, with threonine, which is neutral and polar, at codon 761 of the RFWD3 protein (p.Ala761Thr). This variant is present in population databases (no rsID available, gnomAD 0.0009%). This variant has not been reported in the literature in individuals affected with RFWD3-related conditions. ClinVar contains an entry for this variant (Variation ID: 2083793). An algorithm developed to predict the effect of missense changes on protein structure and function (PolyPhen-2) suggests that this variant is likely to be disruptive. In summary, the available evidence is currently insufficient to determine the role of this variant in disease. Therefore, it has been classified as a Variant of Uncertain Significance.